The following is an entry in ClinVar:

ClinVar aggregate classification (germline): Uncertain significance. Review status: criteria provided, multiple submitters, no conflicts (2 of 4 stars). 2 submissions from 2 submitters: Uncertain significance (2). Last evaluated 2023-09-26.

Conditions:
Hereditary breast ovarian cancer syndrome. Also called: Hereditary breast and ovarian cancer; Hereditary breast and ovarian cancer syndrome (HBOC); BRCA1- and BRCA2-Associated Hereditary Breast and Ovarian Cancer; Hereditary breast and ovarian cancer syndrome; Hereditary breast and/or ovarian cancer syndrome; Breast and ovarian cancer. Identifiers: Orphanet 145, MedGen C0677776, MeSH D061325, MONDO:0003582. Disease mechanism: loss of function.
Familial cancer of breast. Also called: BREAST CANCER, FAMILIAL; hereditary breast carcinoma; Hereditary breast cancer. Identifiers: Orphanet 227535, MedGen C0346153, MONDO:0016419, OMIM 114480. Disease mechanism: loss of function.

Submissions (2):

Baylor Genetics
Classification: Uncertain significance for Familial cancer of breast. Last evaluated: 2023-09-26. Review status: criteria provided, single submitter. Criteria: ACMG Guidelines, 2015. Collection method: clinical testing. Allele origin: unknown.

Labcorp Genetics (formerly Invitae), Labcorp
Classification: Uncertain significance for Hereditary breast ovarian cancer syndrome. Last evaluated: 2018-11-16. Review status: criteria provided, single submitter. Criteria: Invitae Variant Classification Sherloc (09022015). Collection method: clinical testing. Allele origin: germline.
Comment: This sequence change replaces cysteine with tyrosine at codon 2765 of the BRCA2 protein (p.Cys2765Tyr). The cysteine residue is highly conserved and there is a large physicochemical difference between cysteine and tyrosine. This variant is not present in population databases (ExAC no frequency). This variant has not been reported in the literature in individuals with BRCA2-related disease. This variant has been reported not to substantially affect BRCA2 protein function (PMID: 29884841). In summary, the available evidence is currently insufficient to determine the role of this variant in disease. Therefore, it has been classified as a Variant of Uncertain Significance.

Literature cited by the submitters: PubMed 29884841 (cited by Labcorp Genetics (formerly Invitae), Labcorp).

NM_000059.4(BRCA2):c.8294G>A (p.Cys2765Tyr)

Gene: BRCA2 (BRCA2 DNA repair associated; plus strand). Cytogenetic location: 13q13.1.
Variant type: single nucleotide variant.
Coding change: c.8294G>A on transcript NM_000059.4 (MANE Select); coding-DNA position 8294, G replaced by A.
Protein change: p.Cys2765Tyr; replaces cysteine 2765 with tyrosine.
Molecular consequence: missense variant.
Genome position (GRCh38, 1-based): chr13:32,363,496, G>A. VCF-style: chr13-32363496-G-A. GRCh37 (hg19) VCF-style: chr13-32937633-G-A.
Other names: short protein forms C2765Y.
Identifiers: ClinVar variation 641154 (VCV000641154.10), dbSNP rs112343538, ClinGen allele CA247478132.